The following is an entry in ClinVar:

ClinVar aggregate classification (germline): Uncertain significance. Review status: criteria provided, multiple submitters, no conflicts (2 of 4 stars). 2 submissions from 2 submitters: Uncertain significance (2). Last evaluated 2023-12-07.

Conditions:
Hereditary cancer-predisposing syndrome. Also called: Hereditary neoplastic syndrome; Neoplastic Syndromes, Hereditary; Tumor predisposition; Hereditary Cancer Syndrome. Identifiers: Orphanet 140162, MedGen C0027672, MeSH D009386, MONDO:0015356.
Familial adenomatous polyposis 1 (FAP1). Also called: POLYPOSIS, ADENOMATOUS INTESTINAL; FAMILIAL ADENOMATOUS POLYPOSIS 1, ATTENUATED. Identifiers: MedGen C2713442, MONDO:0021056, OMIM 175100. Disease mechanism: loss of function.

Submissions (2):

Labcorp Genetics (formerly Invitae), Labcorp
Classification: Uncertain significance for Familial adenomatous polyposis 1. Last evaluated: 2023-12-07. Review status: criteria provided, single submitter. Criteria: Invitae Variant Classification Sherloc (09022015). Collection method: clinical testing. Allele origin: germline.
Comment: This sequence change replaces serine, which is neutral and polar, with threonine, which is neutral and polar, at codon 678 of the APC protein (p.Ser678Thr). This variant is not present in population databases (gnomAD no frequency). This variant has not been reported in the literature in individuals affected with APC-related conditions. ClinVar contains an entry for this variant (Variation ID: 469728). Advanced modeling of protein sequence and biophysical properties (such as structural, functional, and spatial information, amino acid conservation, physicochemical variation, residue mobility, and thermodynamic stability) performed at Invitae indicates that this missense variant is not expected to disrupt APC protein function with a negative predictive value of 95%. In summary, the available evidence is currently insufficient to determine the role of this variant in disease. Therefore, it has been classified as a Variant of Uncertain Significance.

Ambry Genetics
Classification: Uncertain significance for Hereditary cancer-predisposing syndrome. Last evaluated: 2021-11-04. Review status: criteria provided, single submitter. Criteria: Ambry Variant Classification Scheme 2023. Collection method: clinical testing. Allele origin: germline.
Comment: The p.S678T variant (also known as c.2033G>C), located in coding exon 15 of the APC gene, results from a G to C substitution at nucleotide position 2033. The serine at codon 678 is replaced by threonine, an amino acid with similar properties. This amino acid position is highly conserved in available vertebrate species. In addition, in silico predictors for this gene do not accurately predict pathogenicity. Since supporting evidence is limited at this time, the clinical significance of this alteration remains unclear.

NM_000038.6(APC):c.2033G>C (p.Ser678Thr)

Gene: APC (APC regulator of Wnt signaling pathway; plus strand). Cytogenetic location: 5q22.2.
Variant type: single nucleotide variant.
Coding change: c.2033G>C on transcript NM_000038.6 (MANE Select); coding-DNA position 2033, G replaced by C.
Protein change: p.Ser678Thr; replaces serine 678 with threonine.
Molecular consequence: missense variant.
Genome position (GRCh38, 1-based): chr5:112,837,627, G>C. VCF-style: chr5-112837627-G-C. GRCh37 (hg19) VCF-style: chr5-112173324-G-C.
Other names: c.2033G>C, p.Ser678Thr (NM_001127510.3, NM_001354895.2); c.1979G>C, p.Ser660Thr (NM_001127511.3); c.2087G>C, p.Ser696Thr (NM_001354896.2); c.2063G>C, p.Ser688Thr (NM_001354897.2); c.1958G>C, p.Ser653Thr (NM_001354898.2); c.1949G>C, p.Ser650Thr (NM_001354899.2); c.1910G>C, p.Ser637Thr (NM_001354900.2); c.1856G>C, p.Ser619Thr (NM_001354901.2); and 5 more; short protein forms S660T, S678T, S619T, S653T, S395T, S552T, S577T, S637T.
Identifiers: ClinVar variation 469728 (VCV000469728.12), dbSNP rs1554083916, ClinGen allele CA16025764.